The following is an entry in ClinVar:

ClinVar aggregate classification (germline): Uncertain significance (1 of 4 stars; one submission).

Submission:

Labcorp Genetics (formerly Invitae), Labcorp
Classification: Uncertain significance. Last evaluated: 2023-10-13. Review status: criteria provided, single submitter. Criteria: Invitae Variant Classification Sherloc (09022015). Collection method: clinical testing. Allele origin: germline.
Comment: This sequence change replaces asparagine, which is neutral and polar, with serine, which is neutral and polar, at codon 212 of the TOP2B protein (p.Asn212Ser). This variant is not present in population databases (gnomAD no frequency). This variant has not been reported in the literature in individuals affected with TOP2B-related conditions. ClinVar contains an entry for this variant (Variation ID: 1481948). An algorithm developed to predict the effect of missense changes on protein structure and function (PolyPhen-2) suggests that this variant is likely to be tolerated. In summary, the available evidence is currently insufficient to determine the role of this variant in disease. Therefore, it has been classified as a Variant of Uncertain Significance.

NM_001330700.2(TOP2B):c.650A>G (p.Asn217Ser)

Gene: TOP2B (DNA topoisomerase II beta; minus strand). Cytogenetic location: 3p24.2.
Variant type: single nucleotide variant.
Coding change: c.650A>G on transcript NM_001330700.2 (MANE Select); coding-DNA position 650, A replaced by G.
Protein change: p.Asn217Ser; replaces asparagine 217 with serine.
Molecular consequence: missense variant.
Genome position (GRCh38, 1-based): chr3:25,636,138, T>C on the plus strand (A>G on the coding strand, the complement: TOP2B is on the minus strand). VCF-style: chr3-25636138-T-C. GRCh37 (hg19) VCF-style: chr3-25677629-T-C.
Other names: c.635A>G, p.Asn212Ser (NM_001068.3); short protein forms N212S, N217S.
Identifiers: ClinVar variation 1481948 (VCV001481948.8), dbSNP rs2125385495, ClinGen allele CA351912331.